The following is an entry in ClinVar:

NM_001453.3(FOXC1):c.307G>C (p.Gly103Arg)

Genes: FOXC1 (forkhead box C1; plus strand), LOC129995601 (ATAC-STARR-seq lymphoblastoid active region 23864; plus strand). Cytogenetic location: 6p25.3.
Variant type: single nucleotide variant.
Coding change: c.307G>C on transcript NM_001453.3 (MANE Select); coding-DNA position 307, G replaced by C.
Protein change: p.Gly103Arg; replaces glycine 103 with arginine.
Molecular consequence: missense variant.
Genome position (GRCh38, 1-based): chr6:1,610,752, G>C. VCF-style: chr6-1610752-G-C. GRCh37 (hg19) VCF-style: chr6-1610987-G-C.
Other names: short protein forms G103R.
Identifiers: ClinVar variation 2112263 (VCV002112263.4), dbSNP rs1762521691, ClinGen allele CA362558523.

ClinVar aggregate classification (germline): Uncertain significance (1 of 4 stars; one submission).

Conditions:
Axenfeld-Rieger syndrome type 3 (RIEG3). Also called: AXENFELD-RIEGER ANOMALY WITH CARDIAC DEFECTS AND/OR SENSORINEURAL HEARING LOSS. Identifiers: Orphanet 782, MedGen C2678503, MONDO:0011233, OMIM 602482.

Allele frequency attached by ClinVar (database versions not stated): gnomAD exomes 0.00001.
gnomAD v4.1: 9 of 1,613,968 alleles (0.00056%); highest among the groups gnomAD compares: Non-Finnish European, 0.00076%; no homozygotes.

Submission:

Labcorp Genetics (formerly Invitae), Labcorp
Classification: Uncertain significance for Axenfeld-Rieger syndrome type 3. Last evaluated: 2024-09-05. Review status: criteria provided, single submitter. Criteria: Invitae Variant Classification Sherloc (09022015). Collection method: clinical testing. Allele origin: germline.
Comment: This sequence change replaces glycine, which is neutral and non-polar, with arginine, which is basic and polar, at codon 103 of the FOXC1 protein (p.Gly103Arg). This variant is not present in population databases (gnomAD no frequency). This variant has not been reported in the literature in individuals affected with FOXC1-related conditions. ClinVar contains an entry for this variant (Variation ID: 2112263). An algorithm developed to predict the effect of missense changes on protein structure and function (PolyPhen-2) suggests that this variant is likely to be disruptive. In summary, the available evidence is currently insufficient to determine the role of this variant in disease. Therefore, it has been classified as a Variant of Uncertain Significance.